The following is an entry in ClinVar:

ClinVar aggregate classification (germline): Likely benign. Review status: criteria provided, multiple submitters, no conflicts (2 of 4 stars). 3 submissions from 3 submitters: Likely benign (2). 1 of the submissions does not count toward it. Last evaluated 2025-12-21.

Conditions:
BMP1-related disorder. Also called: BMP1-related condition.

Allele frequency attached by ClinVar (database versions not stated): gnomAD exomes 0.00008 and 0.00013; ExAC 0.00015; ESP Exome Variant Server 0.00031; TOPMed 0.00044; gnomAD 0.00045 and 0.00046; 1000 Genomes Project 0.00060; 1000 Genomes Project 30x 0.00062.
gnomAD v4.1: 186 of 1,614,220 alleles (0.012%); highest among the groups gnomAD compares: African/African-American, 0.14%; no homozygotes.

Submissions (3):

Labcorp Genetics (formerly Invitae), Labcorp
Classification: Likely benign. Last evaluated: 2025-12-21. Review status: criteria provided, single submitter. Criteria: Invitae Variant Classification Sherloc (09022015). Collection method: clinical testing. Allele origin: germline.

Blueprint Genetics
Classification: Likely benign. Last evaluated: 2024-09-23. Review status: criteria provided, single submitter. Criteria: ACMG Guidelines, 2015. Collection method: clinical testing. Allele origin: germline.

PreventionGenetics, part of Exact Sciences
Classification: Likely benign for BMP1-related condition. Last evaluated: 2019-08-16. Review status: no assertion criteria provided. Collection method: clinical testing. Allele origin: germline. Not counted in ClinVar's aggregate classification.
Comment: This variant is classified as likely benign based on ACMG/AMP sequence variant interpretation guidelines (Richards et al. 2015 PMID: 25741868, with internal and published modifications).

NM_006129.5(BMP1):c.2436C>T (p.Asp812=)

Gene: BMP1 (bone morphogenetic protein 1; plus strand). Cytogenetic location: 8p21.3.
Variant type: single nucleotide variant.
Coding change: c.2436C>T on transcript NM_006129.5 (MANE Select); coding-DNA position 2436, C replaced by T.
Protein change: p.Asp812=; no amino-acid change (aspartic acid 812 retained).
Molecular consequence: synonymous variant. On other transcripts: non-coding transcript variant (1).
Genome position (GRCh38, 1-based): chr8:22,207,377, C>T. VCF-style: chr8-22207377-C-T. GRCh37 (hg19) VCF-style: chr8-22064890-C-T.
Other names: c.2436C>T (NM_006129.4).
Identifiers: ClinVar variation 1577367 (VCV001577367.11), dbSNP rs112461266, ClinGen allele CA4665246.